The following is an entry in ClinVar:

NM_014009.4(FOXP3):c.648-3T>C

Gene: FOXP3 (forkhead box P3; minus strand). Cytogenetic location: Xp11.23.
Variant type: single nucleotide variant.
Coding change: c.648-3T>C on transcript NM_014009.4 (MANE Select); 3 bases into the intron before coding-DNA position 648, T replaced by C.
Molecular consequence: intron variant.
Genome position (GRCh38, 1-based): chrX:49,255,805, A>G on the plus strand (T>C on the coding strand, the complement: FOXP3 is on the minus strand). VCF-style: chrX-49255805-A-G. GRCh37 (hg19) VCF-style: chrX-49112266-A-G.
Other names: c.543-3T>C (NM_001114377.2).
Identifiers: ClinVar variation 2827811 (VCV002827811.3), dbSNP rs2519192232, ClinGen allele CA2693705212.

ClinVar aggregate classification (germline): Uncertain significance (1 of 4 stars; one submission).

Conditions:
Insulin-dependent diabetes mellitus secretory diarrhea syndrome (IPEX). Also called: DIABETES MELLITUS, CONGENITAL INSULIN-DEPENDENT, WITH FATAL SECRETORY DIARRHEA; DIARRHEA, POLYENDOCRINOPATHY, FATAL INFECTION SYNDROME, X-LINKED; ENTEROPATHY, AUTOIMMUNE, WITH HEMOLYTIC ANEMIA AND POLYENDOCRINOPATHY; IMMUNODEFICIENCY, POLYENDOCRINOPATHY, AND ENTEROPATHY, X-LINKED; Immunodysregulation, polyendocrinopathy, and enteropathy, X-linked; Immunodeficiency, Polyendocrinopathy, and Enteropathy X-Linked Syndrome. Identifiers: Orphanet 37042, MedGen C0342288, MONDO:0010580, OMIM 304790. Disease mechanism: loss of function.

Allele frequency attached by ClinVar (database versions not stated): gnomAD exomes below 0.00001.
gnomAD v4.1: 1 of 1,197,282 alleles (0.000084%); highest among the groups gnomAD compares: African/African-American, 0.0017%; no homozygotes.

Submission:

Labcorp Genetics (formerly Invitae), Labcorp
Classification: Uncertain significance for Insulin-dependent diabetes mellitus secretory diarrhea syndrome. Last evaluated: 2023-01-12. Review status: criteria provided, single submitter. Criteria: Invitae Variant Classification Sherloc (09022015). Collection method: clinical testing. Allele origin: germline.
Comment: This sequence change falls in intron 6 of the FOXP3 gene. It does not directly change the encoded amino acid sequence of the FOXP3 protein. It affects a nucleotide within the consensus splice site. This variant is not present in population databases (gnomAD no frequency). This variant has not been reported in the literature in individuals affected with FOXP3-related conditions. Variants that disrupt the consensus splice site are a relatively common cause of aberrant splicing (PMID: 17576681, 9536098). Algorithms developed to predict the effect of sequence changes on RNA splicing suggest that this variant is not likely to affect RNA splicing. In summary, the available evidence is currently insufficient to determine the role of this variant in disease. Therefore, it has been classified as a Variant of Uncertain Significance.

Literature cited by the submitters: PubMed 17576681; PubMed 9536098.